The following is an entry in ClinVar:

ClinVar aggregate classification (germline): Uncertain significance (1 of 4 stars; one submission).

Submission:

Labcorp Genetics (formerly Invitae), Labcorp
Classification: Uncertain significance. Last evaluated: 2024-07-06. Review status: criteria provided, single submitter. Criteria: Invitae Variant Classification Sherloc (09022015). Collection method: clinical testing. Allele origin: germline.
Comment: This sequence change falls in intron 6 of the ACAN gene. It does not directly change the encoded amino acid sequence of the ACAN protein. It affects a nucleotide within the consensus splice site. This variant is not present in population databases (gnomAD no frequency). This variant has not been reported in the literature in individuals affected with ACAN-related conditions. Variants that disrupt the consensus splice site are a relatively common cause of aberrant splicing (PMID: 17576681, 9536098). Algorithms developed to predict the effect of sequence changes on RNA splicing suggest that this variant may disrupt the consensus splice site. In summary, the available evidence is currently insufficient to determine the role of this variant in disease. Therefore, it has been classified as a Variant of Uncertain Significance.

Literature cited by the submitters: PubMed 17576681; PubMed 9536098.

NM_001369268.1(ACAN):c.1052-3T>G

Gene: ACAN (aggrecan; plus strand). Cytogenetic location: 15q26.1.
Variant type: single nucleotide variant.
Coding change: c.1052-3T>G on transcript NM_001369268.1 (MANE Select); 3 bases into the intron before coding-DNA position 1052, T replaced by G.
Molecular consequence: intron variant.
Genome position (GRCh38, 1-based): chr15:88,845,502, T>G. VCF-style: chr15-88845502-T-G. GRCh37 (hg19) VCF-style: chr15-89388733-T-G.
Other names: c.1052-3T>G (NM_013227.4, NM_001411097.1, NM_001411096.1 and 1 more transcripts).
Identifiers: ClinVar variation 3658140 (VCV003658140.2).
Genomic context (GRCh38, chr15:88,845,502, plus strand): 5'-CCTCATCCCCCTCAAGCCGGTCCCAGGCTGAGAGGCTAAAGCTTGTCTTTGCCCCTCCCC[T>G]AGGTGAAGACTTTGTGGACATCCCAGAAAACTTCTTTGGAGTGGGGGGTGAGGAGGACAT-3'